The following is an entry in ClinVar:

ClinVar aggregate classification (germline): Uncertain significance (1 of 4 stars; one submission).

Conditions:
Hereditary pancreatitis (PCTT). Also called: Hereditary chronic pancreatitis; PRSS1-Related Hereditary Pancreatitis. Identifiers: Orphanet 676, MedGen C0238339, MONDO:0008185, OMIM 167800.

Submission:

Ambry Genetics
Classification: Uncertain significance for Hereditary pancreatitis. Last evaluated: 2025-08-02. Review status: criteria provided, single submitter. Criteria: Ambry Variant Classification Scheme 2023. Collection method: clinical testing. Allele origin: germline.
Comment: The p.R72G variant (also known as c.214A>G), located in coding exon 3 of the PRSS1 gene, results from an A to G substitution at nucleotide position 214. The arginine at codon 72 is replaced by glycine, an amino acid with dissimilar properties. This amino acid position is conserved. In addition, this alteration is predicted to be deleterious by in silico analysis. Based on the available evidence, the clinical significance of this variant remains unclear.

NM_002769.5(PRSS1):c.214A>G (p.Arg72Gly)

Genes: PRSS1 (serine protease 1; plus strand), TRB (T cell receptor beta locus; plus strand). Cytogenetic location: 7q34.
Variant type: single nucleotide variant.
Coding change: c.214A>G on transcript NM_002769.5 (MANE Select); coding-DNA position 214, A replaced by G.
Protein change: p.Arg72Gly; replaces arginine 72 with glycine.
Molecular consequence: missense variant. On other transcripts: non-coding transcript variant (2).
Genome position (GRCh38, 1-based): chr7:142,751,787, A>G. VCF-style: chr7-142751787-A-G. GRCh37 (hg19) VCF-style: chr7-142459638-A-G.
Other names: short protein forms R72G.
Identifiers: ClinVar variation 4145703 (VCV004145703.1).